The following is an entry in ClinVar:

NM_000143.4(FH):c.872A>C (p.Glu291Ala)

Gene: FH (fumarate hydratase; minus strand). Cytogenetic location: 1q43.
Variant type: single nucleotide variant.
Coding change: c.872A>C on transcript NM_000143.4 (MANE Select); coding-DNA position 872, A replaced by C.
Protein change: p.Glu291Ala; replaces glutamic acid 291 with alanine.
Molecular consequence: missense variant.
Genome position (GRCh38, 1-based): chr1:241,506,035, T>G on the plus strand (A>C on the coding strand, the complement: FH is on the minus strand). VCF-style: chr1-241506035-T-G. GRCh37 (hg19) VCF-style: chr1-241669335-T-G.
Other names: short protein forms E291A.
Identifiers: ClinVar variation 2452776 (VCV002452776.2), dbSNP rs2147917541, ClinGen allele CA345438849.

ClinVar aggregate classification (germline): Uncertain significance (1 of 4 stars; one submission).

Conditions:
Hereditary cancer-predisposing syndrome. Also called: Neoplastic Syndromes, Hereditary; Tumor predisposition; Hereditary neoplastic syndrome; Hereditary Cancer Syndrome. Identifiers: Orphanet 140162, MedGen C0027672, MeSH D009386, MONDO:0015356.

Submission:

Ambry Genetics
Classification: Uncertain significance for Hereditary cancer-predisposing syndrome. Last evaluated: 2023-01-01. Review status: criteria provided, single submitter. Criteria: Ambry Variant Classification Scheme 2023. Collection method: clinical testing. Allele origin: germline.
Comment: The p.E291A variant (also known as c.872A>C), located in coding exon 6 of the FH gene, results from an A to C substitution at nucleotide position 872. The glutamic acid at codon 291 is replaced by alanine, an amino acid with dissimilar properties. This amino acid position is conserved. In addition, this alteration is predicted to be deleterious by in silico analysis. Since supporting evidence is limited at this time, the clinical significance of this alteration remains unclear.